The following is an entry in ClinVar:

NM_000308.4(CTSA):c.1040G>A (p.Arg347Gln)

Gene: CTSA (cathepsin A; plus strand). Cytogenetic location: 20q13.12.
Variant type: single nucleotide variant.
Coding change: c.1040G>A on transcript NM_000308.4 (MANE Select); coding-DNA position 1040, G replaced by A.
Protein change: p.Arg347Gln; replaces arginine 347 with glutamine.
Molecular consequence: missense variant. On other transcripts: non-coding transcript variant (1).
Genome position (GRCh38, 1-based): chr20:45,895,085, G>A. VCF-style: chr20-45895085-G-A. GRCh37 (hg19) VCF-style: chr20-44523724-G-A.
Other names: c.1040G>A, p.Arg347Gln (NM_001127695.3); c.989G>A, p.Arg330Gln (NM_001167594.3); c.1094G>A (NM_000308.2); short protein forms R347Q, R330Q.
Identifiers: ClinVar variation 1465863 (VCV001465863.4), dbSNP rs375345060, ClinGen allele CA9883256.

ClinVar aggregate classification (germline): Uncertain significance. Review status: criteria provided, multiple submitters, no conflicts (2 of 4 stars). 2 submissions from 2 submitters: Uncertain significance (2). Last evaluated 2025-08-26.

Conditions:
Combined deficiency of sialidase AND beta galactosidase (GSL). Also called: GOLDBERG SYNDROME; NEURAMINIDASE DEFICIENCY WITH BETA-GALACTOSIDASE DEFICIENCY; NEURAMINIDASE/BETA-GALACTOSIDASE EXPRESSION; PPCA DEFICIENCY; PROTECTIVE PROTEIN/CATHEPSIN A DEFICIENCY; Galactosialidosis. Identifiers: Orphanet 351, MedGen C0268233, MONDO:0009737, OMIM 256540.
Inborn genetic diseases. Identifiers: MedGen C0950123, MeSH D030342.

Allele frequency attached by ClinVar (database versions not stated): ExAC 0.00001; gnomAD exomes 0.00001 and 0.00002; gnomAD 0.00003; ESP Exome Variant Server 0.00008.
gnomAD v4.1: 13 of 1,614,002 alleles (0.00081%); highest among the groups gnomAD compares: African/African-American, 0.008%; no homozygotes.

Submissions (2):

Ambry Genetics
Classification: Uncertain significance for Inborn genetic diseases. Last evaluated: 2025-08-26. Review status: criteria provided, single submitter. Criteria: Ambry Variant Classification Scheme 2023. Collection method: clinical testing. Allele origin: germline.

Labcorp Genetics (formerly Invitae), Labcorp
Classification: Uncertain significance for Combined deficiency of sialidase AND beta galactosidase. Last evaluated: 2021-08-29. Review status: criteria provided, single submitter. Criteria: Invitae Variant Classification Sherloc (09022015). Collection method: clinical testing. Allele origin: germline.
Comment: This sequence change replaces arginine with glutamine at codon 365 of the CTSA protein (p.Arg365Gln). The arginine residue is highly conserved and there is a small physicochemical difference between arginine and glutamine. This variant is present in population databases (rs375345060, ExAC 0.01%). This variant has not been reported in the literature in individuals affected with CTSA-related conditions. Algorithms developed to predict the effect of missense changes on protein structure and function are either unavailable or do not agree on the potential impact of this missense change (SIFT: "Not Available"; PolyPhen-2: "Benign"; Align-GVGD: "Not Available"). In summary, the available evidence is currently insufficient to determine the role of this variant in disease. Therefore, it has been classified as a Variant of Uncertain Significance.